The following is an entry in ClinVar:

NM_015139.3(SLC35D1):c.15T>C (p.His5=)

Gene: SLC35D1 (solute carrier family 35 member D1; minus strand). Cytogenetic location: 1p31.3.
Variant type: single nucleotide variant.
Coding change: c.15T>C on transcript NM_015139.3 (MANE Select); coding-DNA position 15, T replaced by C.
Protein change: p.His5=; no amino-acid change (histidine 5 retained).
Molecular consequence: synonymous variant.
Genome position (GRCh38, 1-based): chr1:67,053,999, A>G on the plus strand (T>C on the coding strand, the complement: SLC35D1 is on the minus strand). VCF-style: chr1-67053999-A-G. GRCh37 (hg19) VCF-style: chr1-67519682-A-G.
Other names: c.15T>C (NM_015139.2).
Identifiers: ClinVar variation 1618251 (VCV001618251.11), dbSNP rs577838166, ClinGen allele CA899201.

ClinVar aggregate classification (germline): Likely benign. Review status: criteria provided, multiple submitters, no conflicts (2 of 4 stars). 3 submissions from 3 submitters: Likely benign (2). 1 of the submissions does not count toward it. Last evaluated 2026-02-01.

Conditions:
Schneckenbecken dysplasia. Identifiers: Orphanet 3144, MedGen C0432194, MONDO:0010013, OMIM 269250.
SLC35D1-related disorder. Also called: SLC35D1-related condition.

Allele frequency attached by ClinVar (database versions not stated): gnomAD 0.00008 and 0.00009; gnomAD exomes 0.00008 and 0.00017; TOPMed 0.00012; 1000 Genomes Project 30x 0.00016; ExAC 0.00018; 1000 Genomes Project 0.00020.
gnomAD v4.1: 138 of 1,610,760 alleles (0.0086%); highest among the groups gnomAD compares: East Asian, 0.21%; no homozygotes.

Submissions (3):

Labcorp Genetics (formerly Invitae), Labcorp
Classification: Likely benign for Schneckenbecken dysplasia. Last evaluated: 2026-02-01. Review status: criteria provided, single submitter. Criteria: Invitae Variant Classification Sherloc (09022015). Collection method: clinical testing. Allele origin: germline.

Blueprint Genetics
Classification: Likely benign. Last evaluated: 2024-02-27. Review status: criteria provided, single submitter. Criteria: ACMG Guidelines, 2015. Collection method: clinical testing. Allele origin: germline.

PreventionGenetics, part of Exact Sciences
Classification: Likely benign for SLC35D1-related condition. Last evaluated: 2021-07-12. Review status: no assertion criteria provided. Collection method: clinical testing. Allele origin: germline. Not counted in ClinVar's aggregate classification.
Comment: This variant is classified as likely benign based on ACMG/AMP sequence variant interpretation guidelines (Richards et al. 2015 PMID: 25741868, with internal and published modifications).